The following is an entry in ClinVar:

ClinVar aggregate classification (germline): Benign. Review status: criteria provided, multiple submitters, no conflicts (2 of 4 stars). 3 submissions from 3 submitters: Benign (2). 1 of the submissions does not count toward it. Last evaluated 2026-02-01.

Conditions:
C6-related disorder. Also called: C6-related condition.

Allele frequency attached by ClinVar (database versions not stated): gnomAD exomes 0.00037 and 0.00106; ExAC 0.00140; gnomAD 0.00394 and 0.00422; ESP Exome Variant Server 0.00415; TOPMed 0.00440; 1000 Genomes Project 0.00699; 1000 Genomes Project 30x 0.00734.
gnomAD v4.1: 1,173 of 1,613,950 alleles (0.073%); highest among the groups gnomAD compares: African/African-American, 1.4%; 11 homozygotes.

Submissions (3):

Labcorp Genetics (formerly Invitae), Labcorp
Classification: Benign. Last evaluated: 2026-02-01. Review status: criteria provided, single submitter. Criteria: Invitae Variant Classification Sherloc (09022015). Collection method: clinical testing. Allele origin: germline.

Breakthrough Genomics
Classification: Benign. Review status: criteria provided, single submitter. Criteria: ACMG Guidelines, 2015. Collection method: not provided. Allele origin: germline. Inheritance: Autosomal recessive inheritance. Affected: yes.

PreventionGenetics, part of Exact Sciences
Classification: Likely benign for C6-related condition. Last evaluated: 2024-01-04. Review status: no assertion criteria provided. Collection method: clinical testing. Allele origin: germline. Not counted in ClinVar's aggregate classification.
Comment: This variant is classified as likely benign based on ACMG/AMP sequence variant interpretation guidelines (Richards et al. 2015 PMID: 25741868, with internal and published modifications).

NM_000065.5(C6):c.677C>T (p.Thr226Ile)

Gene: C6 (complement C6; minus strand). Cytogenetic location: 5p13.1.
Variant type: single nucleotide variant.
Coding change: c.677C>T on transcript NM_000065.5 (MANE Select); coding-DNA position 677, C replaced by T.
Protein change: p.Thr226Ile; replaces threonine 226 with isoleucine.
Molecular consequence: missense variant.
Genome position (GRCh38, 1-based): chr5:41,186,119, G>A on the plus strand (C>T on the coding strand, the complement: C6 is on the minus strand). VCF-style: chr5-41186119-G-A. GRCh37 (hg19) VCF-style: chr5-41186221-G-A.
Other names: c.677C>T (NM_000065.3); c.677C>T, p.Thr226Ile (NM_001115131.4); short protein forms T226I.
Identifiers: ClinVar variation 1168092 (VCV001168092.12), dbSNP rs61734261, ClinGen allele CA3252707.